The following is an entry in ClinVar:

ClinVar aggregate classification (germline): Uncertain significance (1 of 4 stars; one submission).

Allele frequency attached by ClinVar (database versions not stated): ESP Exome Variant Server 0.00008; gnomAD exomes below 0.00001; TOPMed 0.00002; gnomAD 0.00001.
gnomAD v4.1: 4 of 1,613,812 alleles (0.00025%); highest among the groups gnomAD compares: Non-Finnish European, 0.00034%; no homozygotes.

Submission:

Labcorp Genetics (formerly Invitae), Labcorp
Classification: Uncertain significance. Last evaluated: 2025-12-31. Review status: criteria provided, single submitter. Criteria: Invitae Variant Classification Sherloc (09022015). Collection method: clinical testing. Allele origin: germline.
Comment: This sequence change replaces arginine, which is basic and polar, with glutamine, which is neutral and polar, at codon 2035 of the CHD8 protein (p.Arg2035Gln). This variant is not present in population databases (gnomAD no frequency). This missense change has been observed in individual(s) with schizophrenia (PMID: 26789910). ClinVar contains an entry for this variant (Variation ID: 2058709). Invitae Evidence Modeling of protein sequence and biophysical properties (such as structural, functional, and spatial information, amino acid conservation, physicochemical variation, residue mobility, and thermodynamic stability) indicates that this missense variant is not expected to disrupt CHD8 protein function with a negative predictive value of 95%. In summary, the available evidence is currently insufficient to determine the role of this variant in disease. Therefore, it has been classified as a Variant of Uncertain Significance.

Literature cited by the submitters: PubMed 26789910.

NM_001170629.2(CHD8):c.6104G>A (p.Arg2035Gln)

Gene: CHD8 (chromodomain helicase DNA binding protein 8; minus strand). Cytogenetic location: 14q11.2.
Variant type: single nucleotide variant.
Coding change: c.6104G>A on transcript NM_001170629.2 (MANE Select); coding-DNA position 6104, G replaced by A.
Protein change: p.Arg2035Gln; replaces arginine 2035 with glutamine.
Molecular consequence: missense variant.
Genome position (GRCh38, 1-based): chr14:21,393,691, C>T on the plus strand (G>A on the coding strand, the complement: CHD8 is on the minus strand). VCF-style: chr14-21393691-C-T. GRCh37 (hg19) VCF-style: chr14-21861850-C-T.
Other names: c.5267G>A, p.Arg1756Gln (NM_020920.4); short protein forms R1756Q, R2035Q.
Identifiers: ClinVar variation 2058709 (VCV002058709.4), dbSNP rs374379959, ClinGen allele CA257593154.